The following is an entry in ClinVar:

NM_138576.4(BCL11B):c.2286C>T (p.Gly762=)

Gene: BCL11B (BCL11 transcription factor B; minus strand). Cytogenetic location: 14q32.2.
Variant type: single nucleotide variant.
Coding change: c.2286C>T on transcript NM_138576.4 (MANE Select); coding-DNA position 2286, C replaced by T.
Protein change: p.Gly762=; no amino-acid change (glycine 762 retained).
Molecular consequence: synonymous variant.
Genome position (GRCh38, 1-based): chr14:99,174,550, G>A on the plus strand (C>T on the coding strand, the complement: BCL11B is on the minus strand). VCF-style: chr14-99174550-G-A. GRCh37 (hg19) VCF-style: chr14-99640887-G-A.
Other names: c.2283C>T, p.Gly761= (NM_001282237.2); c.2070C>T, p.Gly690= (NM_001282238.2); c.2073C>T, p.Gly691= (NM_022898.3); c.2073C>T (NM_022898.2).
Identifiers: ClinVar variation 1450647 (VCV001450647.11), dbSNP rs1389684919, ClinGen allele CA488174028.
Genomic context (GRCh38, chr14:99,174,550, plus strand): 5'-CGGGCCGCCCAGGTGCGGGGTGCTGCCTCCGCTGGCCGTGCCGCTGCGGCCCGAGAGGCC[G>A]CCGTCCAGCAGGTCCCCGGGCGGCGTGGAGAAGCGCAGGCTGCCGTTCTCGGACGAGTGC-3'
Protein context (NP_612808.1, residues 752-772): FSTPPGDLLD[Gly762=]GLSGRSGTAS

ClinVar aggregate classification (germline): Likely benign. Review status: criteria provided, multiple submitters, no conflicts (2 of 4 stars). 3 submissions from 3 submitters: Likely benign (2). 1 of the submissions does not count toward it. Last evaluated 2024-11-19.

Conditions:
BCL11B-related disorder. Also called: BCL11B-Related Disorders.

Allele frequency attached by ClinVar (database versions not stated): gnomAD 0.00001; gnomAD exomes 0.00003 and 0.00005.
gnomAD v4.1: 68 of 1,511,024 alleles (0.0045%); highest among the groups gnomAD compares: Non-Finnish European, 0.0057%; no homozygotes.

Submissions (3):

Labcorp Genetics (formerly Invitae), Labcorp
Classification: Likely benign. Last evaluated: 2024-11-19. Review status: criteria provided, single submitter. Criteria: Invitae Variant Classification Sherloc (09022015). Collection method: clinical testing. Allele origin: germline.

Blueprint Genetics
Classification: Likely benign. Last evaluated: 2021-03-02. Review status: criteria provided, single submitter. Criteria: ACMG Guidelines, 2015. Collection method: clinical testing. Allele origin: germline.

PreventionGenetics, part of Exact Sciences
Classification: Likely benign for BCL11B-related condition. Last evaluated: 2019-09-05. Review status: no assertion criteria provided. Collection method: clinical testing. Allele origin: germline. Not counted in ClinVar's aggregate classification.
Comment: This variant is classified as likely benign based on ACMG/AMP sequence variant interpretation guidelines (Richards et al. 2015 PMID: 25741868, with internal and published modifications).